The following is an entry in ClinVar:

NM_000051.4(ATM):c.2062G>A (p.Glu688Lys)

Gene: ATM (ATM serine/threonine kinase; plus strand). Cytogenetic location: 11q22.3.
Variant type: single nucleotide variant.
Coding change: c.2062G>A on transcript NM_000051.4 (MANE Select); coding-DNA position 2062, G replaced by A.
Protein change: p.Glu688Lys; replaces glutamic acid 688 with lysine.
Molecular consequence: missense variant.
Genome position (GRCh38, 1-based): chr11:108,253,977, G>A. VCF-style: chr11-108253977-G-A. GRCh37 (hg19) VCF-style: chr11-108124704-G-A.
Other names: c.2062G>A, p.Glu688Lys (NM_001351834.2); short protein forms E688K.
Identifiers: ClinVar variation 407678 (VCV000407678.35), dbSNP rs769338089, ClinGen allele CA6264922.

ClinVar aggregate classification (germline): Uncertain significance. Review status: criteria provided, multiple submitters, no conflicts (2 of 4 stars). 11 submissions from 11 submitters: Uncertain significance (10). 1 of the submissions does not count toward it. Last evaluated 2026-03-03.

Conditions:
Hereditary cancer-predisposing syndrome. Also called: Neoplastic Syndromes, Hereditary; Tumor predisposition; Hereditary Cancer Syndrome; Hereditary neoplastic syndrome. Identifiers: Orphanet 140162, MedGen C0027672, MeSH D009386, MONDO:0015356.
Ataxia-telangiectasia syndrome (AT). Also called: Ataxia-telangiectasia, complementation group D; AT, COMPLEMENTATION GROUP C; ATAXIA-TELANGIECTASIA, COMPLEMENTATION GROUP A; ATAXIA-TELANGIECTASIA, FRESNO VARIANT; Cerebello-oculocutaneous telangiectasia; Immunodeficiency with ataxia telangiectasia. Identifiers: Orphanet 100, MedGen C0004135, MONDO:0008840, OMIM 208900.
ATM-related cancer predisposition. Also called: ATM-related cancer susceptibility. Identifiers: MedGen CN377759, MONDO:0700270.
Breast and/or ovarian cancer. Identifiers: MedGen CN221562.
Familial cancer of breast. Also called: BREAST CANCER, FAMILIAL; hereditary breast carcinoma; Hereditary breast cancer. Identifiers: Orphanet 227535, MedGen C0346153, MONDO:0016419, OMIM 114480. Disease mechanism: loss of function.

Allele frequency attached by ClinVar (database versions not stated): ExAC 0.00002; gnomAD 0.00001; gnomAD exomes 0.00002; TOPMed 0.00002.
gnomAD v4.1: 10 of 1,613,904 alleles (0.00062%); highest among the groups gnomAD compares: Non-Finnish European, 0.00085%; no homozygotes.

Submissions (11):

Hema, HEMA – Genetic and Molecular Diagnostic Laboratory
Classification: Uncertain significance for ATM-related cancer predisposition. Last evaluated: 2026-03-03. Review status: criteria provided, single submitter. Criteria: HEMA Variant Classification Assertion Criteria. Collection method: clinical testing. Allele origin: germline.
Comment: The c.2062G>A p.(Glu688Lys) variant is a transition from guanine to adenine, resulting in the substitution of glutamic acid 688 by lysine. PM2_Supporting: Present at very low frequency in the gnomAD v4.1.0 database.

Ambry Genetics
Classification: Uncertain significance for Hereditary cancer-predisposing syndrome. Last evaluated: 2025-12-10. Review status: criteria provided, single submitter. Criteria: Ambry Variant Classification Scheme 2023. Collection method: clinical testing. Allele origin: germline.
Comment: The p.E688K variant (also known as c.2062G>A), located in coding exon 12 of the ATM gene, results from a G to A substitution at nucleotide position 2062. The glutamic acid at codon 688 is replaced by lysine, an amino acid with similar properties. In an assay testing ATM function, this variant showed a functionally normal result (Lee KS et al. Cell, 2025 Sep;188:5081-5099.e27). This amino acid position is well conserved in available vertebrate species. In addition, the in silico prediction for this alteration is inconclusive. Based on the available evidence, the clinical significance of this variant remains unclear.

Labcorp Genetics (formerly Invitae), Labcorp
Classification: Uncertain significance for Ataxia-telangiectasia syndrome. Last evaluated: 2025-11-17. Review status: criteria provided, single submitter. Criteria: Invitae Variant Classification Sherloc (09022015). Collection method: clinical testing. Allele origin: germline.
Comment: This sequence change replaces glutamic acid, which is acidic and polar, with lysine, which is basic and polar, at codon 688 of the ATM protein (p.Glu688Lys). This variant is present in population databases (rs769338089, gnomAD 0.004%). This missense change has been observed in individual(s) with increased risk for breast cancer (PMID: 28779002). ClinVar contains an entry for this variant (Variation ID: 407678). Invitae Evidence Modeling of protein sequence and biophysical properties (such as structural, functional, and spatial information, amino acid conservation, physicochemical variation, residue mobility, and thermodynamic stability) indicates that this missense variant is not expected to disrupt ATM protein function with a negative predictive value of 95%. In summary, the available evidence is currently insufficient to determine the role of this variant in disease. Therefore, it has been classified as a Variant of Uncertain Significance.

Color Diagnostics, LLC DBA Color Health
Classification: Uncertain significance for Hereditary cancer-predisposing syndrome. Last evaluated: 2025-11-12. Review status: criteria provided, single submitter. Criteria: ACMG Guidelines, 2015. Collection method: clinical testing. Allele origin: germline.
Comment: This missense variant replaces glutamic acid with lysine at codon 688 of the ATM protein. Computational prediction suggests that this variant may not impact protein structure and function. To our knowledge, functional studies have not been reported for this variant. This variant has not been reported in individuals affected with ATM-related disorders in the literature. This variant has been identified in 5/251358 chromosomes in the general population by the Genome Aggregation Database (gnomAD). The available evidence is insufficient to determine the role of this variant in disease conclusively. Therefore, this variant is classified as a Variant of Uncertain Significance.

Center for Genomic Medicine, Rigshospitalet, Copenhagen University Hospital
Classification: Uncertain significance. Last evaluated: 2025-03-04. Review status: criteria provided, single submitter. Criteria: ACMG Guidelines, 2015. Collection method: clinical testing. Allele origin: germline.

Baylor Genetics
Classification: Uncertain significance for Familial cancer of breast. Last evaluated: 2024-01-26. Review status: criteria provided, single submitter. Criteria: ACMG Guidelines, 2015. Collection method: clinical testing. Allele origin: unknown.

GeneDx
Classification: Uncertain significance. Last evaluated: 2024-01-08. Review status: criteria provided, single submitter. Criteria: GeneDx Variant Classification Process June 2021. Collection method: clinical testing. Allele origin: germline. Affected: yes.
Comment: Observed in at least one individual with breast cancer (PMID: 28779002); Not observed at significant frequency in large population cohorts (gnomAD); In silico analysis supports that this missense variant does not alter protein structure/function; This variant is associated with the following publications: (PMID: 28779002)

Blueprint Genetics
Classification: Uncertain significance. Last evaluated: 2023-05-24. Review status: criteria provided, single submitter. Criteria: ACMG Guidelines, 2015. Collection method: clinical testing. Allele origin: germline.

CHEO Genetics Diagnostic Laboratory, Children's Hospital of Eastern Ontario
Classification: Uncertain significance for Breast and/or ovarian cancer. Last evaluated: 2022-12-16. Review status: criteria provided, single submitter. Criteria: ACMG Guidelines, 2015. Collection method: clinical testing. Allele origin: germline.

Athena Diagnostics
Classification: Uncertain significance. Last evaluated: 2021-08-03. Review status: criteria provided, single submitter. Criteria: Athena Diagnostics Criteria. Collection method: clinical testing. Allele origin: unknown.

Natera, Inc.
Classification: Uncertain significance for Ataxia-telangiectasia. Last evaluated: 2021-05-13. Review status: no assertion criteria provided. Collection method: clinical testing. Allele origin: germline. Not counted in ClinVar's aggregate classification.

Literature cited by the submitters: PubMed 28779002 (cited by 4 submitters); PubMed 40580951 (cited by Ambry Genetics).